The following is an entry in ClinVar:

ClinVar aggregate classification (germline): Uncertain significance (1 of 4 stars; one submission).

Conditions:
Rhabdoid tumor predisposition syndrome 2 (RTPS2). Identifiers: Orphanet 231108, Orphanet 69077, MedGen C2750074, MONDO:0013224, OMIM 613325.

gnomAD v4.1: 3 of 1,541,008 alleles (0.00019%); highest among the groups gnomAD compares: African/African-American, 0.0027%; no homozygotes.

Submission:

Labcorp Genetics (formerly Invitae), Labcorp
Classification: Uncertain significance for Rhabdoid tumor predisposition syndrome 2. Last evaluated: 2025-01-28. Review status: criteria provided, single submitter. Criteria: Invitae Variant Classification Sherloc (09022015). Collection method: clinical testing. Allele origin: germline.
Comment: This sequence change replaces proline, which is neutral and non-polar, with arginine, which is basic and polar, at codon 236 of the SMARCA4 protein (p.Pro236Arg). This variant is not present in population databases (gnomAD no frequency). This variant has not been reported in the literature in individuals affected with SMARCA4-related conditions. Invitae Evidence Modeling of protein sequence and biophysical properties (such as structural, functional, and spatial information, amino acid conservation, physicochemical variation, residue mobility, and thermodynamic stability) has been performed for this missense variant. However, the output from this modeling did not meet the statistical confidence thresholds required to predict the impact of this variant on SMARCA4 protein function. In summary, the available evidence is currently insufficient to determine the role of this variant in disease. Therefore, it has been classified as a Variant of Uncertain Significance.

NM_003072.5(SMARCA4):c.707C>G (p.Pro236Arg)

Gene: SMARCA4 (SWI/SNF related BAF chromatin remodeling complex subunit ATPase 4; plus strand). Cytogenetic location: 19p13.2.
Variant type: single nucleotide variant.
Coding change: c.707C>G on transcript NM_003072.5 (MANE Select); coding-DNA position 707, C replaced by G.
Protein change: p.Pro236Arg; replaces proline 236 with arginine.
Molecular consequence: missense variant. On other transcripts: non-coding transcript variant (1).
Genome position (GRCh38, 1-based): chr19:10,986,540, C>G. VCF-style: chr19-10986540-C-G. GRCh37 (hg19) VCF-style: chr19-11097216-C-G.
Other names: c.707C>G, p.Pro236Arg (NM_001128844.3, NM_001128845.2, NM_001128846.2 and 6 more transcripts); short protein forms P236R.
Identifiers: ClinVar variation 3636836 (VCV003636836.2).